The following is an entry in ClinVar:

NM_015338.6(ASXL1):c.2870C>T (p.Thr957Ile)

Gene: ASXL1 (ASXL transcriptional regulator 1; plus strand). Cytogenetic location: 20q11.21.
Variant type: single nucleotide variant.
Coding change: c.2870C>T on transcript NM_015338.6 (MANE Select); coding-DNA position 2870, C replaced by T.
Protein change: p.Thr957Ile; replaces threonine 957 with isoleucine.
Molecular consequence: missense variant.
Genome position (GRCh38, 1-based): chr20:32,435,582, C>T. VCF-style: chr20-32435582-C-T. GRCh37 (hg19) VCF-style: chr20-31023385-C-T.
Other names: c.2687C>T, p.Thr896Ile (NM_001363734.1); short protein forms T896I, T957I.
Identifiers: ClinVar variation 3357221 (VCV003357221.1).

ClinVar aggregate classification (germline): Uncertain significance (0 of 4 stars; one submission).

Conditions:
ASXL1-related disorder. Also called: ASXL1-related disorders; ASXL1-related condition.

gnomAD v4.1: 1 of 1,614,142 alleles (0.000062%); highest among the groups gnomAD compares: African/African-American, 0.0013%; no homozygotes.

Submission:

PreventionGenetics, part of Exact Sciences
Classification: Uncertain significance for ASXL1-related condition. Last evaluated: 2024-05-01. Review status: no assertion criteria provided. Collection method: clinical testing. Allele origin: germline.
Comment: The ASXL1 c.2870C>T variant is predicted to result in the amino acid substitution p.Thr957Ile. To our knowledge, this variant has not been reported in the literature or in a large population database, indicating this variant is rare. At this time, the clinical significance of this variant is uncertain due to the absence of conclusive functional and genetic evidence.